The following is an entry in ClinVar:

NM_000051.4(ATM):c.7536A>G (p.Pro2512=)

Genes: ATM (ATM serine/threonine kinase; plus strand), C11orf65 (chromosome 11 open reading frame 65; minus strand). Cytogenetic location: 11q22.3.
Variant type: single nucleotide variant.
Coding change: c.7536A>G on transcript NM_000051.4 (MANE Select); coding-DNA position 7536, A replaced by G.
Protein change: p.Pro2512=; no amino-acid change (proline 2512 retained).
Molecular consequence: synonymous variant. On other transcripts: non-coding transcript variant (1), intron variant (2).
Genome position (GRCh38, 1-based): chr11:108,331,464, A>G. VCF-style: chr11-108331464-A-G. GRCh37 (hg19) VCF-style: chr11-108202191-A-G.
Other names: c.7536A>G, p.Pro2512= (NM_001351834.2); c.641-22393T>C (NM_001330368.2); c.*38+3756T>C (NM_001351110.2).
Identifiers: ClinVar variation 186244 (VCV000186244.14), dbSNP rs786202802, ClinGen allele CA194227.

ClinVar aggregate classification (germline): Benign/Likely benign. Review status: criteria provided, multiple submitters, no conflicts (2 of 4 stars). 3 submissions from 3 submitters: Benign (1); Likely benign (2). Last evaluated 2024-06-14.

Conditions:
Hereditary cancer-predisposing syndrome. Also called: Hereditary Cancer Syndrome; Tumor predisposition; Neoplastic Syndromes, Hereditary; Hereditary neoplastic syndrome. Identifiers: Orphanet 140162, MedGen C0027672, MeSH D009386, MONDO:0015356.
Familial cancer of breast. Also called: hereditary breast carcinoma; BREAST CANCER, FAMILIAL; Hereditary breast cancer. Identifiers: Orphanet 227535, MedGen C0346153, MONDO:0016419, OMIM 114480. Disease mechanism: loss of function.
Ataxia-telangiectasia syndrome (AT). Also called: ATAXIA-TELANGIECTASIA, COMPLEMENTATION GROUP A; ATAXIA-TELANGIECTASIA, FRESNO VARIANT; Ataxia-telangiectasia; Ataxia-telangiectasia, complementation group E; Cerebello-oculocutaneous telangiectasia; Immunodeficiency with ataxia telangiectasia. Identifiers: Orphanet 100, MedGen C0004135, MONDO:0008840, OMIM 208900.

Submissions (3):

Myriad Genetics, Inc.
Classification: Benign for Familial cancer of breast. Last evaluated: 2024-06-14. Review status: criteria provided, single submitter. Criteria: Myriad Autosomal Dominant, Autosomal Recessive and X-Linked Classification Criteria (2023). Collection method: clinical testing. Allele origin: unknown.
Comment: This variant is considered benign. This variant is a silent/synonymous amino acid change and it is not expected to impact splicing.

Labcorp Genetics (formerly Invitae), Labcorp
Classification: Likely benign for Ataxia-telangiectasia syndrome. Last evaluated: 2022-07-19. Review status: criteria provided, single submitter. Criteria: Invitae Variant Classification Sherloc (09022015). Collection method: clinical testing. Allele origin: germline.

Ambry Genetics
Classification: Likely benign for Hereditary cancer-predisposing syndrome. Last evaluated: 2014-09-17. Review status: criteria provided, single submitter. Criteria: Ambry Variant Classification Scheme 2023. Collection method: clinical testing. Allele origin: germline.